The following is an entry in ClinVar:

ClinVar aggregate classification (germline): Conflicting classifications of pathogenicity. Review status: criteria provided, conflicting classifications (1 of 4 stars). 5 submissions from 5 submitters: Uncertain significance (4); Benign (1). Last evaluated 2025-12-19.

Conditions:
Fibromuscular dysplasia, multifocal. Identifiers: MedGen C5543412, MONDO:0859151, OMIM 619329.
Ehlers-Danlos syndrome, classic type, 1 (EDSCL1). Also called: Ehlers-Danlos Syndrome, Classic Type, COL5A1-Related; EHLERS-DANLOS SYNDROME, GRAVIS TYPE; EHLERS-DANLOS SYNDROME, SEVERE CLASSIC TYPE; Ehlers-Danlos syndrome, type 1; EDS I. Identifiers: MedGen C0268335, MONDO:0019567, OMIM 130000.
Ehlers-Danlos syndrome (EDS). Identifiers: Orphanet 98249, MedGen C0013720, MONDO:0020066.
Familial thoracic aortic aneurysm and aortic dissection (TAAD). Also called: Thoracic aortic aneurysms and dissections. Identifiers: Orphanet 91387, MedGen C4707243, MONDO:0019625.

Allele frequency attached by ClinVar (database versions not stated): gnomAD exomes 0.00002; ESP Exome Variant Server 0.00008; ExAC 0.00001; TOPMed 0.00002.
gnomAD v4.1: 30 of 1,614,100 alleles (0.0019%); highest among the groups gnomAD compares: Non-Finnish European, 0.0025%; no homozygotes.

Submissions (5):

Ambry Genetics
Classification: Uncertain significance for Familial thoracic aortic aneurysm and aortic dissection. Last evaluated: 2025-12-19. Review status: criteria provided, single submitter. Criteria: Ambry Variant Classification Scheme 2023. Collection method: clinical testing. Allele origin: germline.
Comment: The p.E983K variant (also known as c.2947G>A), located in coding exon 37 of the COL5A1 gene, results from a G to A substitution at nucleotide position 2947. The glutamic acid at codon 983 is replaced by lysine, an amino acid with similar properties. This amino acid position is highly conserved in available vertebrate species. In addition, the in silico prediction for this alteration is inconclusive. Since supporting evidence is limited at this time, the clinical significance of this alteration remains unclear.

GeneDx
Classification: Uncertain significance. Last evaluated: 2025-11-17. Review status: criteria provided, single submitter. Criteria: GeneDx Variant Classification Process June 2021. Collection method: clinical testing. Allele origin: germline. Affected: yes.
Comment: Has not been previously published as pathogenic or benign to our knowledge; Not observed at significant frequency in large population cohorts (gnomAD); In silico analysis supports that this missense variant has a deleterious effect on protein structure/function; Occurs in the triple helical domain at the X position in the canonical Gly-X-Y repeat; although this variant may have an effect on normal protein folding and function, missense substitution at the X position is not a common mechanism of disease (PMID: 22696272; HGMD); This variant is associated with the following publications: (PMID: 22696272)

Labcorp Genetics (formerly Invitae), Labcorp
Classification: Benign for Ehlers-Danlos syndrome, classic type, 1. Last evaluated: 2025-09-03. Review status: criteria provided, single submitter. Criteria: Invitae Variant Classification Sherloc (09022015). Collection method: clinical testing. Allele origin: germline.

Fulgent Genetics
Classification: Uncertain significance for Ehlers-Danlos syndrome, classic type, 1; Fibromuscular dysplasia, multifocal. Last evaluated: 2022-05-18. Review status: criteria provided, single submitter. Criteria: ACMG Guidelines, 2015. Collection method: clinical testing. Allele origin: unknown.

Genome Diagnostics Laboratory, The Hospital for Sick Children
Classification: Uncertain significance for Ehlers-Danlos syndrome. Last evaluated: 2019-04-01. Review status: criteria provided, single submitter. Criteria: ACMG Guidelines, 2015. Collection method: clinical testing. Allele origin: germline.

NM_000093.5(COL5A1):c.2947G>A (p.Glu983Lys)

Gene: COL5A1 (collagen type V alpha 1 chain; plus strand). Cytogenetic location: 9q34.3.
Variant type: single nucleotide variant.
Coding change: c.2947G>A on transcript NM_000093.5 (MANE Select); coding-DNA position 2947, G replaced by A.
Protein change: p.Glu983Lys; replaces glutamic acid 983 with lysine.
Molecular consequence: missense variant.
Genome position (GRCh38, 1-based): chr9:134,798,456, G>A. VCF-style: chr9-134798456-G-A. GRCh37 (hg19) VCF-style: chr9-137690302-G-A.
Other names: p.E983K:GAG>AAG; c.2947G>A, p.Glu983Lys (NM_001278074.1); short protein forms E983K.
Identifiers: ClinVar variation 212952 (VCV000212952.21), dbSNP rs146348246, ClinGen allele CA321941.